The following is an entry in ClinVar:

NM_005529.7(HSPG2):c.2822C>T (p.Ala941Val)

Gene: HSPG2 (heparan sulfate proteoglycan 2; minus strand). Cytogenetic location: 1p36.12.
Variant type: single nucleotide variant.
Coding change: c.2822C>T on transcript NM_005529.7 (MANE Select); coding-DNA position 2822, C replaced by T.
Protein change: p.Ala941Val; replaces alanine 941 with valine.
Molecular consequence: missense variant.
Genome position (GRCh38, 1-based): chr1:21,876,516, G>A on the plus strand (C>T on the coding strand, the complement: HSPG2 is on the minus strand). VCF-style: chr1-21876516-G-A. GRCh37 (hg19) VCF-style: chr1-22203009-G-A.
Other names: c.2825C>T, p.Ala942Val (NM_001291860.2); short protein forms A941V, A942V.
Identifiers: ClinVar variation 447546 (VCV000447546.10), dbSNP rs1042462225, ClinGen allele CA19147688.

ClinVar aggregate classification (germline): Uncertain significance. Review status: criteria provided, multiple submitters, no conflicts (2 of 4 stars). 4 submissions from 3 submitters: Uncertain significance (4). Last evaluated 2022-09-19.

Conditions:
Lethal Kniest-like syndrome (DDSH). Also called: Dyssegmental Dysplasia. Identifiers: Orphanet 1865, MedGen C1857100, MONDO:0009140, OMIM 224410.
Schwartz-Jampel syndrome. Also called: Myotonic myopathy dwarfism chondrodystrophy and ocular and facial abnormalities. Identifiers: Orphanet 800, MedGen C0036391, MONDO:0009717.

Allele frequency attached by ClinVar (database versions not stated): gnomAD 0.00001; gnomAD exomes 0.00001; TOPMed 0.00002.
gnomAD v4.1: 11 of 1,614,062 alleles (0.00068%); highest among the groups gnomAD compares: Non-Finnish European, 0.00093%; no homozygotes.

Submissions (4):

Labcorp Genetics (formerly Invitae), Labcorp
Classification: Uncertain significance. Last evaluated: 2022-09-19. Review status: criteria provided, single submitter. Criteria: Invitae Variant Classification Sherloc (09022015). Collection method: clinical testing. Allele origin: germline.
Comment: In summary, the available evidence is currently insufficient to determine the role of this variant in disease. Therefore, it has been classified as a Variant of Uncertain Significance. Algorithms developed to predict the effect of missense changes on protein structure and function (SIFT, PolyPhen-2, Align-GVGD) all suggest that this variant is likely to be tolerated. ClinVar contains an entry for this variant (Variation ID: 447546). This variant has not been reported in the literature in individuals affected with HSPG2-related conditions. This variant is not present in population databases (gnomAD no frequency). This sequence change replaces alanine, which is neutral and non-polar, with valine, which is neutral and non-polar, at codon 941 of the HSPG2 protein (p.Ala941Val).

Illumina Laboratory Services, Illumina
Classification: Uncertain significance for Schwartz-Jampel syndrome type 1. Last evaluated: 2018-01-13. Review status: criteria provided, single submitter. Criteria: ICSL Variant Classification Criteria 13 December 2019. Collection method: clinical testing. Allele origin: germline.

Illumina Laboratory Services, Illumina
Classification: Uncertain significance for Lethal Kniest-like syndrome. Last evaluated: 2018-01-13. Review status: criteria provided, single submitter. Criteria: ICSL Variant Classification Criteria 13 December 2019. Collection method: clinical testing. Allele origin: germline.

Athena Diagnostics
Classification: Uncertain significance. Last evaluated: 2016-11-02. Review status: criteria provided, single submitter. Criteria: Athena Diagnostics Criteria. Collection method: clinical testing. Allele origin: germline.